The following is an entry in ClinVar:

NM_006071.2(PKDREJ):c.3786C>T (p.Asp1262=)

Gene: PKDREJ (polycystin family receptor for egg jelly; minus strand). Cytogenetic location: 22q13.31.
Variant type: single nucleotide variant.
Coding change: c.3786C>T on transcript NM_006071.2 (MANE Select); coding-DNA position 3786, C replaced by T.
Protein change: p.Asp1262=; no amino-acid change (aspartic acid 1262 retained).
Molecular consequence: synonymous variant.
Genome position (GRCh38, 1-based): chr22:46,259,537, G>A on the plus strand (C>T on the coding strand, the complement: PKDREJ is on the minus strand). VCF-style: chr22-46259537-G-A. GRCh37 (hg19) VCF-style: chr22-46655434-G-A.
Identifiers: ClinVar variation 2653301 (VCV002653301.24), dbSNP rs139403219, ClinGen allele CA10289893.

ClinVar aggregate classification (germline): Likely benign (1 of 4 stars; one submission).

Allele frequency attached by ClinVar (database versions not stated): 1000 Genomes Project 30x 0.00031; 1000 Genomes Project 0.00040; TOPMed 0.00111; gnomAD 0.00121; ExAC 0.00133; gnomAD exomes 0.00179; ESP Exome Variant Server 0.00192.

Submission:

CeGaT Center for Human Genetics Tuebingen
Classification: Likely benign. Last evaluated: 2022-05-01. Review status: criteria provided, single submitter. Criteria: CeGaT Center For Human Genetics Tuebingen Variant Classification Criteria Version 2. Collection method: clinical testing. Allele origin: germline. Affected: yes. Observed: 1 variant allele.
Comment: PKDREJ: BP4, BP7